The following is an entry in ClinVar:

NM_004260.4(RECQL4):c.2033T>C (p.Val678Ala)

Gene: RECQL4 (RecQ like helicase 4; minus strand). Cytogenetic location: 8q24.3.
Variant type: single nucleotide variant.
Coding change: c.2033T>C on transcript NM_004260.4 (MANE Select); coding-DNA position 2033, T replaced by C.
Protein change: p.Val678Ala; replaces valine 678 with alanine.
Molecular consequence: missense variant. On other transcripts: non-coding transcript variant (3).
Genome position (GRCh38, 1-based): chr8:144,513,953, A>G on the plus strand (T>C on the coding strand, the complement: RECQL4 is on the minus strand). VCF-style: chr8-144513953-A-G. GRCh37 (hg19) VCF-style: chr8-145739337-A-G.
Other names: c.1937T>C, p.Val646Ala (NM_001413017.1, NM_001413020.1); c.2033T>C, p.Val678Ala (NM_001413018.1, NM_001413019.1, NM_001413036.1); c.962T>C, p.Val321Ala (NM_001413021.1, NM_001413022.1, NM_001413023.1 and 6 more transcripts); c.1904T>C, p.Val635Ala (NM_001413025.1); c.896T>C, p.Val299Ala (NM_001413027.1, NM_001413030.1, NM_001413032.1 and 1 more transcripts); c.1682T>C, p.Val561Ala (NM_001413029.1); c.764T>C, p.Val255Ala (NM_001413031.1); c.1901T>C, p.Val634Ala (NM_001413033.1); and 4 more; short protein forms V277A, V321A, V634A, V635A, V646A, V678A, V299A, V561A.
Identifiers: ClinVar variation 3944285 (VCV003944285.1).
Genomic context (GRCh38, chr8:144,513,953, plus strand): 5'-GGGCCCTGCAGGGTCCCCAGAGCACACACACCCACCTGGTCTGTGTCCCTGTCCATGGAC[A>G]CGGAAAGGTGCAGGTTGGTGGGAACTGGGGCTGGCCCGTGGAGGTCAGGCTCTTCAGCCA-3'
Protein context (NP_004251.4, residues 668-688): APVPTNLHLS[Val678Ala]SMDRDTDQAL

ClinVar aggregate classification (germline): Uncertain significance (1 of 4 stars; one submission).

Conditions:
Inborn genetic diseases. Identifiers: MedGen C0950123, MeSH D030342.

Submission:

Ambry Genetics
Classification: Uncertain significance for Inborn genetic diseases. Last evaluated: 2025-04-17. Review status: criteria provided, single submitter. Criteria: Ambry Variant Classification Scheme 2023. Collection method: clinical testing. Allele origin: germline.
Comment: The p.V678A variant (also known as c.2033T>C), located in coding exon 12 of the RECQL4 gene, results from a T to C substitution at nucleotide position 2033. The valine at codon 678 is replaced by alanine, an amino acid with similar properties. This amino acid position is conserved. In addition, this alteration is predicted to be deleterious by in silico analysis. Based on the available evidence, the clinical significance of this variant remains unclear.